The following is an entry in ClinVar:

ClinVar aggregate classification (germline): Uncertain significance (1 of 4 stars; one submission).

Conditions:
Myofibrillar myopathy 4. Also called: Zaspopathy (type). Identifiers: Orphanet 98912, MedGen C4721886, MONDO:0012277, OMIM 609452.

Submission:

Labcorp Genetics (formerly Invitae), Labcorp
Classification: Uncertain significance for Myofibrillar myopathy 4. Last evaluated: 2019-11-12. Review status: criteria provided, single submitter. Criteria: Invitae Variant Classification Sherloc (09022015). Collection method: clinical testing. Allele origin: germline.
Comment: In summary, the available evidence is currently insufficient to determine the role of this variant in disease. Therefore, it has been classified as a Variant of Uncertain Significance. This sequence change replaces alanine with proline at codon 39 of the LDB3 protein (p.Ala39Pro). The alanine residue is moderately conserved and there is a small physicochemical difference between alanine and proline. This variant is not present in population databases (ExAC no frequency). This variant has not been reported in the literature in individuals with LDB3-related conditions. Algorithms developed to predict the effect of missense changes on protein structure and function are either unavailable or do not agree on the potential impact of this missense change (SIFT: "Tolerated"; PolyPhen-2: "Probably Damaging"; Align-GVGD: "Class C0").

NM_007078.3(LDB3):c.115G>C (p.Ala39Pro)

Gene: LDB3 (LIM domain binding 3; plus strand). Cytogenetic location: 10q23.2.
Variant type: single nucleotide variant.
Coding change: c.115G>C on transcript NM_007078.3 (MANE Select); coding-DNA position 115, G replaced by C.
Protein change: p.Ala39Pro; replaces alanine 39 with proline.
Molecular consequence: missense variant.
Genome position (GRCh38, 1-based): chr10:86,679,388, G>C. VCF-style: chr10-86679388-G-C. GRCh37 (hg19) VCF-style: chr10-88439145-G-C.
Other names: c.115G>C, p.Ala39Pro (NM_001080114.2, NM_001080115.2, NM_001171610.2 and 8 more transcripts); short protein forms A39P.
Identifiers: ClinVar variation 959579 (VCV000959579.10), dbSNP rs1844983837, ClinGen allele CA377451087.